The following is an entry in ClinVar:

ClinVar aggregate classification (germline): Conflicting classifications of pathogenicity. Review status: criteria provided, conflicting classifications (1 of 4 stars). 11 submissions from 11 submitters: Uncertain significance (4); Likely benign (5). 2 of the submissions do not count toward it. Last evaluated 2026-01-26.

Conditions:
ADAMTS17-related disorder. Also called: ADAMTS17-related condition.
Weill-Marchesani 4 syndrome, recessive. Also called: Weill-Marchesani syndrome 4. Identifiers: Orphanet 363992, MedGen C2750787, MONDO:0013176, OMIM 613195.

Allele frequency attached by ClinVar (database versions not stated): ESP Exome Variant Server 0.00049; ExAC 0.00059; 1000 Genomes Project 0.00060; 1000 Genomes Project 30x 0.00062; gnomAD exomes 0.00080 and 0.00098; TOPMed 0.00081; gnomAD 0.00098 and 0.00100.
gnomAD v4.1: 1,496 of 1,551,184 alleles (0.096%); highest among the groups gnomAD compares: Non-Finnish European, 0.12%; 2 homozygotes.

Submissions (11):

Labcorp Genetics (formerly Invitae), Labcorp
Classification: Uncertain significance. Last evaluated: 2026-01-26. Review status: criteria provided, single submitter. Criteria: Invitae Variant Classification Sherloc (09022015). Collection method: clinical testing. Allele origin: germline.
Comment: This sequence change replaces serine, which is neutral and polar, with leucine, which is neutral and non-polar, at codon 1015 of the ADAMTS17 protein (p.Ser1015Leu). This variant is present in population databases (rs143891379, gnomAD 0.2%), and has an allele count higher than expected for a pathogenic variant. This variant has not been reported in the literature in individuals affected with ADAMTS17-related conditions. ClinVar contains an entry for this variant (Variation ID: 827967). An algorithm developed to predict the effect of missense changes on protein structure and function outputs the following: PolyPhen-2: "Benign". The leucine amino acid residue is found in multiple mammalian species, which suggests that this missense change does not adversely affect protein function. In summary, the available evidence is currently insufficient to determine the role of this variant in disease. Therefore, it has been classified as a Variant of Uncertain Significance.

PreventionGenetics, part of Exact Sciences
Classification: Likely benign for ADAMTS17-related condition. Last evaluated: 2025-08-21. Review status: criteria provided, single submitter. Criteria: ACMG Guidelines, 2015. Collection method: clinical testing. Allele origin: germline.
Comment: This variant is classified as likely benign based on ACMG/AMP sequence variant interpretation guidelines (Richards et al. 2015 PMID: 25741868, with internal and published modifications).

Mayo Clinic Laboratories, Mayo Clinic
Classification: Likely benign. Last evaluated: 2025-01-02. Review status: criteria provided, single submitter. Criteria: ACMG Guidelines, 2015. Collection method: clinical testing. Allele origin: germline. Observed: 2 variant alleles.
Comment: BS1, BP4_moderate

Blueprint Genetics
Classification: Likely benign. Last evaluated: 2024-11-25. Review status: criteria provided, single submitter. Criteria: ACMG Guidelines, 2015. Collection method: clinical testing. Allele origin: germline.

Fulgent Genetics
Classification: Uncertain significance for Weill-Marchesani 4 syndrome, recessive. Last evaluated: 2024-01-05. Review status: criteria provided, single submitter. Criteria: ACMG Guidelines, 2015. Collection method: clinical testing. Allele origin: germline.

CeGaT Center for Human Genetics Tuebingen
Classification: Likely benign. Last evaluated: 2022-03-01. Review status: criteria provided, single submitter. Criteria: CeGaT Center For Human Genetics Tuebingen Variant Classification Criteria Version 2. Collection method: clinical testing. Allele origin: germline. Affected: yes. Observed: 1 variant allele.
Comment: ADAMTS17: BP4

Revvity Omics, Revvity
Classification: Uncertain significance for Weill-Marchesani 4 syndrome, recessive. Last evaluated: 2021-11-29. Review status: criteria provided, single submitter. Criteria: ACMG Guidelines, 2015. Collection method: clinical testing. Allele origin: germline.

Center for Genomics, Ann and Robert H. Lurie Children's Hospital of Chicago
Classification: Uncertain significance for Weill-Marchesani 4 syndrome, recessive. Last evaluated: 2021-03-30. Review status: criteria provided, single submitter. Criteria: ACMG Guidelines, 2015. Collection method: clinical testing. Allele origin: germline.
Comment: ADAMTS17 NM_139057.3 exon 21 p.Ser1015Leu (c.3044C>T): This variant has not been reported in the literature but is present in 0.01% (119/75650) of European alleles in the Genome Aggregation Database. This variant amino acid Leucine (Leu) is present in >15 species including mammals and is not well conserved among evolutionarily distant species; this suggests that this variant may not impact the protein. Additional computational prediction tools do not suggest an impact. In summary, data on this variant is insufficient for disease classification. Therefore, the clinical significance of this variant is uncertain.

Illumina Laboratory Services, Illumina
Classification: Likely benign for Weill-Marchesani 4 syndrome, recessive. Last evaluated: 2018-01-12. Review status: criteria provided, single submitter. Criteria: ICSL Variant Classification Criteria 13 December 2019. Collection method: clinical testing. Allele origin: germline.
Comment: This variant was observed in the ICSL laboratory as part of a predisposition screen in an ostensibly healthy population. It had not been previously curated by ICSL or reported in the Human Gene Mutation Database (HGMD: prior to June 1st, 2018), and was therefore a candidate for classification through an automated scoring system. Utilizing variant allele frequency, disease prevalence and penetrance estimates, and inheritance mode, an automated score was calculated to assess if this variant is too frequent to cause the disease. Based on the score and internal cut-off values, a variant classified as likely benign is not then subjected to further curation. The score for this variant resulted in a classification of likely benign for this disease.

Clinical Genetics DNA and cytogenetics Diagnostics Lab, Erasmus MC, Erasmus Medical Center
Classification: Likely benign. Review status: no assertion criteria provided. Collection method: clinical testing. Allele origin: germline. Affected: yes. Study: VKGL Data-share Consensus. Not counted in ClinVar's aggregate classification.

Laboratory of Diagnostic Genome Analysis, Leiden University Medical Center (LUMC)
Classification: Likely benign. Review status: no assertion criteria provided. Collection method: clinical testing. Allele origin: germline. Affected: yes. Study: VKGL Data-share Consensus. Not counted in ClinVar's aggregate classification.

NM_139057.4(ADAMTS17):c.3044C>T (p.Ser1015Leu)

Gene: ADAMTS17 (ADAM metallopeptidase with thrombospondin type 1 motif 17; minus strand). Cytogenetic location: 15q26.3.
Variant type: single nucleotide variant.
Coding change: c.3044C>T on transcript NM_139057.4 (MANE Select); coding-DNA position 3044, C replaced by T.
Protein change: p.Ser1015Leu; replaces serine 1015 with leucine.
Molecular consequence: missense variant.
Genome position (GRCh38, 1-based): chr15:99,976,128, G>A on the plus strand (C>T on the coding strand, the complement: ADAMTS17 is on the minus strand). VCF-style: chr15-99976128-G-A. GRCh37 (hg19) VCF-style: chr15-100516333-G-A.
Other names: p.Ser1015Leu; c.3044C>T (NM_139057.3); short protein forms S1015L.
Identifiers: ClinVar variation 827967 (VCV000827967.42), dbSNP rs143891379, ClinGen allele CA7757494.
Genomic context (GRCh38, chr15:99,976,128, plus strand): 5'-TTGGCGTTGATCCTGTCGTTGCAGACCTCCTGGTAGCACTGTCTGTAGGGGGCAGGCTTC[G>A]AGAGGGCGGGGCACTCGCTGCCGTGGCGCCCTGTGACCTTGTGCATGCACTGCACCACCC-3'
Protein context (NP_620688.2, residues 1005-1025): GRHGSECPAL[Ser1015Leu]KPAPYRQCYQ